The following is an entry in ClinVar:

NM_000243.3(MEFV):c.611G>T (p.Arg204Leu)

Gene: MEFV (MEFV innate immunity regulator, pyrin; minus strand). Cytogenetic location: 16p13.3.
Variant type: single nucleotide variant.
Coding change: c.611G>T on transcript NM_000243.3 (MANE Select); coding-DNA position 611, G replaced by T.
Protein change: p.Arg204Leu; replaces arginine 204 with leucine.
Molecular consequence: missense variant. On other transcripts: intron variant (1).
Genome position (GRCh38, 1-based): chr16:3,254,457, C>A on the plus strand (G>T on the coding strand, the complement: MEFV is on the minus strand). VCF-style: chr16-3254457-C-A. GRCh37 (hg19) VCF-style: chr16-3304457-C-A.
Other names: c.277+1854G>T (NM_001198536.2); short protein forms R204L.
Identifiers: ClinVar variation 1353215 (VCV001353215.5), dbSNP rs775663363, ClinGen allele CA394479129.

ClinVar aggregate classification (germline): Uncertain significance (1 of 4 stars; one submission).

Conditions:
Familial Mediterranean fever (FMF). Also called: Periodic peritonitis; Benign paroxysmal peritonitis; POLYSEROSITIS, FAMILIAL PAROXYSMAL; POLYSEROSITIS, RECURRENT. Identifiers: Orphanet 342, MedGen C0031069, MONDO:0018088, OMIM 249100. Disease mechanism: gain of function.

Submission:

Labcorp Genetics (formerly Invitae), Labcorp
Classification: Uncertain significance for Familial Mediterranean fever. Last evaluated: 2021-09-02. Review status: criteria provided, single submitter. Criteria: Invitae Variant Classification Sherloc (09022015). Collection method: clinical testing. Allele origin: germline.
Comment: This sequence change replaces arginine with leucine at codon 204 of the MEFV protein (p.Arg204Leu). The arginine residue is moderately conserved and there is a moderate physicochemical difference between arginine and leucine. This variant is not present in population databases (ExAC no frequency). This variant has not been reported in the literature in individuals affected with MEFV-related conditions. Algorithms developed to predict the effect of missense changes on protein structure and function are either unavailable or do not agree on the potential impact of this missense change (SIFT: "Deleterious"; PolyPhen-2: "Possibly Damaging"; Align-GVGD: "Class C0"). In summary, the available evidence is currently insufficient to determine the role of this variant in disease. Therefore, it has been classified as a Variant of Uncertain Significance.